The following is an entry in ClinVar:

ClinVar aggregate classification (germline): Likely benign (1 of 4 stars; one submission).

Allele frequency attached by ClinVar (database versions not stated): 1000 Genomes Project 0.00040; 1000 Genomes Project 30x 0.00047; TOPMed 0.00165; gnomAD 0.00170; ExAC 0.00175; gnomAD exomes 0.00213; ESP Exome Variant Server 0.00233.
gnomAD v4.1: 3,400 of 1,613,820 alleles (0.21%); highest among the groups gnomAD compares: Non-Finnish European, 0.23%; 5 homozygotes.

Submissions (15):

CeGaT Center for Human Genetics Tuebingen
Classification: Likely benign. Last evaluated: 2025-03-01. Review status: criteria provided, single submitter. Criteria: CeGaT Center For Human Genetics Tuebingen Variant Classification Criteria Version 2. Collection method: clinical testing. Allele origin: germline. Affected: yes. Observed: 1 variant allele.
Comment: PLEKHH1: BP4, BS2

Dr. Peter K. Rogan Lab, Western University
No classification provided (evidence only). Condition: Malignant tumor of urinary bladder. Review status: no classification provided. Collection method: in vitro. Allele origin: not applicable. Functional consequence: retained intron. Not counted in ClinVar's aggregate classification.

Dr. Peter K. Rogan Lab, Western University
No classification provided (evidence only). Condition: Malignant tumor of urinary bladder. Review status: no classification provided. Collection method: in vitro. Allele origin: not applicable. Functional consequence: retained intron. Not counted in ClinVar's aggregate classification.

Dr. Peter K. Rogan Lab, Western University
No classification provided (evidence only). Condition: Clear cell carcinoma of kidney. Review status: no classification provided. Collection method: in vitro. Allele origin: not applicable. Functional consequence: retained intron. Not counted in ClinVar's aggregate classification.

Dr. Peter K. Rogan Lab, Western University
No classification provided (evidence only). Condition: Clear cell carcinoma of kidney. Review status: no classification provided. Collection method: in vitro. Allele origin: not applicable. Functional consequence: retained intron. Not counted in ClinVar's aggregate classification.

Dr. Peter K. Rogan Lab, Western University
No classification provided (evidence only). Condition: Familial cancer of breast. Review status: no classification provided. Collection method: in vitro. Allele origin: not applicable. Functional consequence: retained intron. Not counted in ClinVar's aggregate classification.

Dr. Peter K. Rogan Lab, Western University
No classification provided (evidence only). Condition: Colon adenocarcinoma. Review status: no classification provided. Collection method: in vitro. Allele origin: not applicable. Functional consequence: retained intron. Not counted in ClinVar's aggregate classification.

Dr. Peter K. Rogan Lab, Western University
No classification provided (evidence only). Condition: Colorectal cancer. Review status: no classification provided. Collection method: in vitro. Allele origin: not applicable. Functional consequence: retained intron. Not counted in ClinVar's aggregate classification.

Dr. Peter K. Rogan Lab, Western University
No classification provided (evidence only). Condition: Thyroid cancer, nonmedullary, 1. Review status: no classification provided. Collection method: in vitro. Allele origin: not applicable. Functional consequence: retained intron. Not counted in ClinVar's aggregate classification.

Dr. Peter K. Rogan Lab, Western University
No classification provided (evidence only). Condition: Thyroid cancer, nonmedullary, 1. Review status: no classification provided. Collection method: in vitro. Allele origin: not applicable. Functional consequence: retained intron. Not counted in ClinVar's aggregate classification.

Dr. Peter K. Rogan Lab, Western University
No classification provided (evidence only). Condition: Ovarian serous cystadenocarcinoma. Review status: no classification provided. Collection method: in vitro. Allele origin: not applicable. Functional consequence: retained intron. Not counted in ClinVar's aggregate classification.

Dr. Peter K. Rogan Lab, Western University
No classification provided (evidence only). Condition: Ovarian serous cystadenocarcinoma. Review status: no classification provided. Collection method: in vitro. Allele origin: not applicable. Functional consequence: retained intron. Not counted in ClinVar's aggregate classification.

Dr. Peter K. Rogan Lab, Western University
No classification provided (evidence only). Condition: Ovarian serous cystadenocarcinoma. Review status: no classification provided. Collection method: in vitro. Allele origin: not applicable. Functional consequence: retained intron. Not counted in ClinVar's aggregate classification.

Dr. Peter K. Rogan Lab, Western University
No classification provided (evidence only). Condition: Gastric cancer. Review status: no classification provided. Collection method: in vitro. Allele origin: not applicable. Functional consequence: retained intron. Not counted in ClinVar's aggregate classification.

Dr. Peter K. Rogan Lab, Western University
No classification provided (evidence only). Condition: Malignant tumor of esophagus. Review status: no classification provided. Collection method: in vitro. Allele origin: not applicable. Functional consequence: retained intron. Not counted in ClinVar's aggregate classification.

NM_020715.3(PLEKHH1):c.2195G>A (p.Arg732Gln)

Genes: PLEKHH1 (pleckstrin homology, MyTH4 and FERM domain containing H1; plus strand), GPHN (gephyrin; plus strand). Cytogenetic location: 14q24.1.
Variant type: single nucleotide variant.
Coding change: c.2195G>A on transcript NM_020715.3 (MANE Select); coding-DNA position 2195, G replaced by A.
Protein change: p.Arg732Gln; replaces arginine 732 with glutamine.
Molecular consequence: missense variant.
Genome position (GRCh38, 1-based): chr14:67,575,848, G>A. VCF-style: chr14-67575848-G-A. GRCh37 (hg19) VCF-style: chr14-68042565-G-A.
Other names: NC_000014.8:g.68042565G>A; short protein forms R732Q.
Identifiers: ClinVar variation 3234165 (VCV003234165.21), dbSNP rs146068447, ClinGen allele CA7236904.